The following is an entry in ClinVar:

NM_001558.4(IL10RA):c.307G>C (p.Val103Leu)

Gene: IL10RA (interleukin 10 receptor subunit alpha; plus strand). Cytogenetic location: 11q23.3.
Variant type: single nucleotide variant.
Coding change: c.307G>C on transcript NM_001558.4 (MANE Select); coding-DNA position 307, G replaced by C.
Protein change: p.Val103Leu; replaces valine 103 with leucine.
Molecular consequence: missense variant. On other transcripts: non-coding transcript variant (1).
Genome position (GRCh38, 1-based): chr11:117,989,560, G>C. VCF-style: chr11-117989560-G-C. GRCh37 (hg19) VCF-style: chr11-117860275-G-C.
Other names: short protein forms V103L.
Identifiers: ClinVar variation 1996400 (VCV001996400.4), dbSNP rs949201626, ClinGen allele CA382773523.
Genomic context (GRCh38, chr11:117,989,560, plus strand): 5'-CTTACCGCAGTGACCTTGGACCTGTACCACAGCAATGGCTACCGGGCCAGAGTGCGGGCT[G>C]TGGACGGCAGCCGGCACTCCAACTGGACCGTCACCAACACCCGCTTCTCTGTGGATGAAG-3'
Protein context (NP_001549.2, residues 93-113): SNGYRARVRA[Val103Leu]DGSRHSNWTV

ClinVar aggregate classification (germline): Uncertain significance (1 of 4 stars; one submission).

Conditions:
Inflammatory bowel disease 28. Also called: Inflammatory bowel disease 28, early onset, autosomal recessive. Identifiers: Orphanet 238569, MedGen C2751053, MONDO:0013153, OMIM 613148.

Allele frequency attached by ClinVar (database versions not stated): gnomAD 0.00001.
gnomAD v4.1: 1 of 1,614,070 alleles (0.000062%); highest among the groups gnomAD compares: African/African-American, 0.0013%; no homozygotes.

Submission:

Labcorp Genetics (formerly Invitae), Labcorp
Classification: Uncertain significance for Inflammatory bowel disease 28. Last evaluated: 2022-05-19. Review status: criteria provided, single submitter. Criteria: Invitae Variant Classification Sherloc (09022015). Collection method: clinical testing. Allele origin: germline.
Comment: In summary, the available evidence is currently insufficient to determine the role of this variant in disease. Therefore, it has been classified as a Variant of Uncertain Significance. Algorithms developed to predict the effect of missense changes on protein structure and function (SIFT, PolyPhen-2, Align-GVGD) all suggest that this variant is likely to be tolerated. This variant has not been reported in the literature in individuals affected with IL10RA-related conditions. This variant is not present in population databases (gnomAD no frequency). This sequence change replaces valine, which is neutral and non-polar, with leucine, which is neutral and non-polar, at codon 103 of the IL10RA protein (p.Val103Leu).